The following is an entry in ClinVar:

ClinVar aggregate classification (germline): Benign (1 of 4 stars; one submission).

Conditions:
Pseudohypoaldosteronism type 2D (PHA2D). Also called: FAMILIAL HYPERKALEMIC HYPERTENSION; PSEUDOHYPOALDOSTERONISM, TYPE IID, AUTOSOMAL DOMINANT OR RECESSIVE; Pseudohypoaldosteronism Type IID. Identifiers: Orphanet 300525, Orphanet 757, MedGen C3469605, MONDO:0013781, OMIM 614495.

Allele frequency attached by ClinVar (database versions not stated): gnomAD below 0.00001 and 0.00003; TOPMed 0.00001; gnomAD exomes 0.00008 and 0.00016; ExAC 0.00012.
gnomAD v4.1: 123 of 1,612,808 alleles (0.0076%); highest among the groups gnomAD compares: South Asian, 0.13%; 1 homozygote.

Submission:

Illumina Laboratory Services, Illumina
Classification: Benign for Pseudohypoaldosteronism type 2D. Last evaluated: 2018-01-12. Review status: criteria provided, single submitter. Criteria: ICSL Variant Classification Criteria 13 December 2019. Collection method: clinical testing. Allele origin: germline.
Comment: This variant was observed in the ICSL laboratory as part of a predisposition screen in an ostensibly healthy population. It had not been previously curated by ICSL or reported in the Human Gene Mutation Database (HGMD: prior to June 1st, 2018), and was therefore a candidate for classification through an automated scoring system. Utilizing variant allele frequency, disease prevalence and penetrance estimates, and inheritance mode, an automated score was calculated to assess if this variant is too frequent to cause the disease. Based on the score and internal cut-off values, a variant classified as benign is not then subjected to further curation. The score for this variant resulted in a classification of benign for this disease.

NM_017415.3(KLHL3):c.*39G>A

Gene: KLHL3 (kelch like family member 3; minus strand). Cytogenetic location: 5q31.2.
Variant type: single nucleotide variant.
Coding change: c.*39G>A on transcript NM_017415.3 (MANE Select); 39 bases downstream of the stop codon, G replaced by A.
Molecular consequence: 3 prime UTR variant.
Genome position (GRCh38, 1-based): chr5:137,622,059, C>T on the plus strand (G>A on the coding strand, the complement: KLHL3 is on the minus strand). VCF-style: chr5-137622059-C-T. GRCh37 (hg19) VCF-style: chr5-136957748-C-T.
Other names: c.*39G>A (NM_001257194.1, NM_001257195.2).
Identifiers: ClinVar variation 350983 (VCV000350983.6), dbSNP rs762735618, ClinGen allele CA3422096.